The following is an entry in ClinVar:

ClinVar aggregate classification (germline): Pathogenic (1 of 4 stars; one submission).

Submission:

GeneDx
Classification: Pathogenic. Last evaluated: 2018-04-20. Review status: criteria provided, single submitter. Criteria: GeneDx Variant Classification (06012015). Collection method: clinical testing. Allele origin: germline. Affected: yes.
Comment: The L1217P variant in the SMARCA2 gene has not been reported previously as a pathogenic variant nor as a benign variant to our knowledge. The L1217P variant is not observed in large population cohorts (Lek et al., 2016). The L1217P variant is a semi-conservative amino acid substitution, which may impact secondary protein structure as these residues differ in some properties. In-silico analyses, including protein predictors and evolutionary conservation, support a deleterious effect. We interpret L1217P as a pathogenic variant.

NM_003070.5(SMARCA2):c.3650T>C (p.Leu1217Pro)

Gene: SMARCA2 (SWI/SNF related, matrix associated, actin dependent regulator of chromatin, subfamily a, member 2; plus strand). Cytogenetic location: 9p24.3.
Variant type: single nucleotide variant.
Coding change: c.3650T>C on transcript NM_003070.5 (MANE Select); coding-DNA position 3650, T replaced by C.
Protein change: p.Leu1217Pro; replaces leucine 1217 with proline.
Molecular consequence: missense variant.
Genome position (GRCh38, 1-based): chr9:2,116,015, T>C. VCF-style: chr9-2116015-T-C. GRCh37 (hg19) VCF-style: chr9-2116015-T-C.
Other names: c.3650T>C, p.Leu1217Pro (NM_001289396.2, NM_139045.4); c.3476T>C, p.Leu1159Pro (NM_001289397.2); short protein forms L1217P, L1159P.
Identifiers: ClinVar variation 280814 (VCV000280814.2), dbSNP rs886041954, ClinGen allele CA10603029.
Genomic context (GRCh38, chr9:2,116,015, plus strand): 5'-AAGTGATCCAGGCGGGCATGTTTGACCAAAAGTCTTCAAGCCACGAGCGGAGGGCATTCC[T>C]GCAGGCCATCTTGGAGCATGAGGAGGAAAATGAGGTATTAGAGAAAACCCCAAGTTTATG-3'
Protein context (NP_003061.3, residues 1207-1227): KSSSHERRAF[Leu1217Pro]QAILEHEEEN